The following is an entry in ClinVar:

NM_024675.4(PALB2):c.467T>C (p.Ile156Thr)

Gene: PALB2 (partner and localizer of BRCA2; minus strand). Cytogenetic location: 16p12.2.
Variant type: single nucleotide variant.
Coding change: c.467T>C on transcript NM_024675.4 (MANE Select); coding-DNA position 467, T replaced by C.
Protein change: p.Ile156Thr; replaces isoleucine 156 with threonine.
Molecular consequence: missense variant.
Genome position (GRCh38, 1-based): chr16:23,636,079, A>G on the plus strand (T>C on the coding strand, the complement: PALB2 is on the minus strand). VCF-style: chr16-23636079-A-G. GRCh37 (hg19) VCF-style: chr16-23647400-A-G.
Other names: c.407T>C, p.Ile136Thr (NM_001407296.1); c.467T>C, p.Ile156Thr (NM_001407297.1, NM_001407298.1, NM_001407299.1 and 3 more transcripts); c.-419T>C (NM_001407304.1, NM_001407305.1, NM_001407306.1 and 5 more transcripts); short protein forms I136T, I156T.
Identifiers: ClinVar variation 1719751 (VCV001719751.5), dbSNP rs2142442688, ClinGen allele CA395137152.

ClinVar aggregate classification (germline): Uncertain significance (1 of 4 stars; one submission).

Conditions:
Familial cancer of breast. Also called: BREAST CANCER, FAMILIAL; hereditary breast carcinoma; Hereditary breast cancer. Identifiers: Orphanet 227535, MedGen C0346153, MONDO:0016419, OMIM 114480. Disease mechanism: loss of function.

Submission:

Labcorp Genetics (formerly Invitae), Labcorp
Classification: Uncertain significance for Familial cancer of breast. Last evaluated: 2022-09-19. Review status: criteria provided, single submitter. Criteria: Invitae Variant Classification Sherloc (09022015). Collection method: clinical testing. Allele origin: germline.
Comment: This sequence change replaces isoleucine, which is neutral and non-polar, with threonine, which is neutral and polar, at codon 156 of the PALB2 protein (p.Ile156Thr). This variant is not present in population databases (gnomAD no frequency). This variant has not been reported in the literature in individuals affected with PALB2-related conditions. Algorithms developed to predict the effect of missense changes on protein structure and function output the following: SIFT: "Tolerated"; PolyPhen-2: "Benign"; Align-GVGD: "Class C0". The threonine amino acid residue is found in multiple mammalian species, which suggests that this missense change does not adversely affect protein function. In summary, the available evidence is currently insufficient to determine the role of this variant in disease. Therefore, it has been classified as a Variant of Uncertain Significance.